The following is an entry in ClinVar:

ClinVar aggregate classification (germline): Conflicting classifications of pathogenicity. Review status: criteria provided, conflicting classifications (1 of 4 stars). 4 submissions from 3 submitters: Uncertain significance (3); Likely benign (1). Last evaluated 2024-11-18.

Conditions:
Spinocerebellar ataxia, autosomal recessive, with axonal neuropathy 2 (SCAN2). Also called: Ataxia with Oculomotor Apraxia; Ataxia-ocular apraxia-2; ATAXIA-OCULOMOTOR APRAXIA 2; Ataxia with Oculomotor Apraxia Type 2. Identifiers: Orphanet 64753, MedGen C1853761, MONDO:0018996, OMIM 606002.
Amyotrophic lateral sclerosis type 4 (ALS4). Also called: AMYOTROPHIC LATERAL SCLEROSIS 4, JUVENILE; NEURONOPATHY, DISTAL HEREDITARY MOTOR, WITH PYRAMIDAL FEATURES. Identifiers: Orphanet 357043, MedGen C1865409, MONDO:0011223, OMIM 602433.
Inborn genetic diseases. Identifiers: MedGen C0950123, MeSH D030342.

Allele frequency attached by ClinVar (database versions not stated): gnomAD 0.00001; gnomAD exomes 0.00001; ExAC 0.00002; TOPMed 0.00002.
gnomAD v4.1: 8 of 1,610,750 alleles (0.0005%); highest among the groups gnomAD compares: Non-Finnish European, 0.00068%; no homozygotes.

Submissions (4):

Labcorp Genetics (formerly Invitae), Labcorp
Classification: Likely benign for Amyotrophic lateral sclerosis type 4; Spinocerebellar ataxia, autosomal recessive, with axonal neuropathy 2. Last evaluated: 2024-11-18. Review status: criteria provided, single submitter. Criteria: Invitae Variant Classification Sherloc (09022015). Collection method: clinical testing. Allele origin: germline.

Genome-Nilou Lab
Classification: Uncertain significance for Spinocerebellar ataxia, autosomal recessive, with axonal neuropathy 2. Last evaluated: 2023-02-08. Review status: criteria provided, single submitter. Criteria: ACMG Guidelines, 2015. Collection method: clinical testing. Allele origin: germline.

Genome-Nilou Lab
Classification: Uncertain significance for Amyotrophic lateral sclerosis type 4. Last evaluated: 2023-02-08. Review status: criteria provided, single submitter. Criteria: ACMG Guidelines, 2015. Collection method: clinical testing. Allele origin: germline.

Ambry Genetics
Classification: Uncertain significance for Inborn genetic diseases. Last evaluated: 2021-04-13. Review status: criteria provided, single submitter. Criteria: Ambry Variant Classification Scheme 2023. Collection method: clinical testing. Allele origin: germline.
Comment: The p.A1760V variant (also known as c.5279C>T), located in coding exon 9 of the SETX gene, results from a C to T substitution at nucleotide position 5279. The alanine at codon 1760 is replaced by valine, an amino acid with similar properties. This amino acid position is highly conserved in available vertebrate species. In addition, this alteration is predicted to be deleterious by in silico analysis. Since supporting evidence is limited at this time, the clinical significance of this alteration remains unclear.

NM_015046.7(SETX):c.5279C>T (p.Ala1760Val)

Gene: SETX (senataxin; minus strand). Cytogenetic location: 9q34.13.
Variant type: single nucleotide variant.
Coding change: c.5279C>T on transcript NM_015046.7 (MANE Select); coding-DNA position 5279, C replaced by T.
Protein change: p.Ala1760Val; replaces alanine 1760 with valine.
Molecular consequence: missense variant.
Genome position (GRCh38, 1-based): chr9:132,311,852, G>A on the plus strand (C>T on the coding strand, the complement: SETX is on the minus strand). VCF-style: chr9-132311852-G-A. GRCh37 (hg19) VCF-style: chr9-135187239-G-A.
Other names: c.5279C>T, p.Ala1760Val (NM_001351527.2, NM_001351528.2); short protein forms A1760V.
Identifiers: ClinVar variation 861210 (VCV000861210.12), dbSNP rs758411198, ClinGen allele CA5297025.